The following is an entry in ClinVar:

ClinVar aggregate classification (germline): Uncertain significance (1 of 4 stars; one submission).

Allele frequency attached by ClinVar (database versions not stated): gnomAD exomes below 0.00001; TOPMed 0.00001; ExAC 0.00002.
gnomAD v4.1: 1 of 1,598,014 alleles (0.000063%); highest among the groups gnomAD compares: East Asian, 0.0023%; no homozygotes.

Submission:

Labcorp Genetics (formerly Invitae), Labcorp
Classification: Uncertain significance. Last evaluated: 2022-07-06. Review status: criteria provided, single submitter. Criteria: Invitae Variant Classification Sherloc (09022015). Collection method: clinical testing. Allele origin: germline.
Comment: In summary, the available evidence is currently insufficient to determine the role of this variant in disease. Therefore, it has been classified as a Variant of Uncertain Significance. Advanced modeling of protein sequence and biophysical properties (such as structural, functional, and spatial information, amino acid conservation, physicochemical variation, residue mobility, and thermodynamic stability) performed at Invitae indicates that this missense variant is not expected to disrupt MTOR protein function. This variant has not been reported in the literature in individuals affected with MTOR-related conditions. This variant is present in population databases (rs200753449, gnomAD 0.01%). This sequence change replaces threonine, which is neutral and polar, with alanine, which is neutral and non-polar, at codon 14 of the MTOR protein (p.Thr14Ala).

NM_004958.4(MTOR):c.40A>G (p.Thr14Ala)

Gene: MTOR (mechanistic target of rapamycin kinase; minus strand). Cytogenetic location: 1p36.22.
Variant type: single nucleotide variant.
Coding change: c.40A>G on transcript NM_004958.4 (MANE Select); coding-DNA position 40, A replaced by G.
Protein change: p.Thr14Ala; replaces threonine 14 with alanine.
Molecular consequence: missense variant. On other transcripts: 5 prime UTR variant (1).
Genome position (GRCh38, 1-based): chr1:11,259,370, T>C on the plus strand (A>G on the coding strand, the complement: MTOR is on the minus strand). VCF-style: chr1-11259370-T-C. GRCh37 (hg19) VCF-style: chr1-11319427-T-C.
Other names: c.40A>G, p.Thr14Ala (NM_001386500.1); c.-1100A>G (NM_001386501.1); short protein forms T14A.
Identifiers: ClinVar variation 1947817 (VCV001947817.5), dbSNP rs200753449, ClinGen allele CA591039.
Genomic context (GRCh38, chr1:11,259,370, plus strand): 5'-CATTCCGGCTCTTTAGGCCACTGGCAAACTGCTGCAGGACGCTCACATTGCTAGATGTGG[T>C]GGCAGCGGTGGTGGCGGCGGCAGGTCCGGTTCCAAGCATCTTGCCCTGAGGTTCTTTAGA-3'
Protein context (NP_004949.1, residues 4-24): TGPAAATTAA[Thr14Ala]TSSNVSVLQQ